The following is an entry in ClinVar:

NM_006648.4(WNK2):c.6533C>G (p.Ala2178Gly)

Gene: WNK2 (WNK lysine deficient protein kinase 2; plus strand). Cytogenetic location: 9q22.31.
Variant type: single nucleotide variant.
Coding change: c.6533C>G on transcript NM_006648.4 (MANE Select); coding-DNA position 6533, C replaced by G.
Protein change: p.Ala2178Gly; replaces alanine 2178 with glycine.
Molecular consequence: missense variant.
Genome position (GRCh38, 1-based): chr9:93,317,536, C>G. VCF-style: chr9-93317536-C-G. GRCh37 (hg19) VCF-style: chr9-96079818-C-G.
Other names: c.6644C>G, p.Ala2215Gly (NM_001282394.3); short protein forms A2215G, A2178G.
Identifiers: ClinVar variation 4605210 (VCV004605210.1).

ClinVar aggregate classification (germline): Uncertain significance (1 of 4 stars; one submission).

Submission:

Ambry Genetics
Classification: Uncertain significance. Last evaluated: 2025-09-29. Review status: criteria provided, single submitter. Criteria: Ambry Variant Classification Scheme 2023. Collection method: clinical testing. Allele origin: germline.
Comment: The p.A2178G variant (also known as c.6533C>G), located in coding exon 28 of the WNK2 gene, results from a C to G substitution at nucleotide position 6533. The alanine at codon 2178 is replaced by glycine, an amino acid with similar properties. This amino acid position is conserved. In addition, this alteration is predicted to be tolerated by in silico analysis. Based on the available evidence, the clinical significance of this variant remains unclear.